The following is an entry in ClinVar:

NM_032951.3(MLXIPL):c.573+7G>A

Gene: MLXIPL (MLX interacting protein like; minus strand). Cytogenetic location: 7q11.23.
Variant type: single nucleotide variant.
Coding change: c.573+7G>A on transcript NM_032951.3 (MANE Select); 7 bases into the intron after coding-DNA position 573, G replaced by A.
Molecular consequence: intron variant.
Genome position (GRCh38, 1-based): chr7:73,607,324, C>T on the plus strand (G>A on the coding strand, the complement: MLXIPL is on the minus strand). VCF-style: chr7-73607324-C-T. GRCh37 (hg19) VCF-style: chr7-73021654-C-T.
Other names: c.573+7G>A (NM_032954.3, NM_032953.3, NM_032952.3).
Identifiers: ClinVar variation 770937 (VCV000770937.22), dbSNP rs200438567, ClinGen allele CA4289509.

ClinVar aggregate classification (germline): Benign/Likely benign. Review status: criteria provided, multiple submitters, no conflicts (2 of 4 stars). 3 submissions from 3 submitters: Benign (2); Likely benign (1). Last evaluated 2026-08-01.

Allele frequency attached by ClinVar (database versions not stated): 1000 Genomes Project 0.00040; 1000 Genomes Project 30x 0.00062; ESP Exome Variant Server 0.00302; gnomAD 0.00354; TOPMed 0.00372.
gnomAD v4.1: 7,624 of 1,560,504 alleles (0.49%); highest among the groups gnomAD compares: Non-Finnish European, 0.63%; 29 homozygotes.

Submissions (3):

CeGaT Center for Human Genetics Tuebingen
Classification: Likely benign. Last evaluated: 2026-08-01. Review status: criteria provided, single submitter. Criteria: CeGaT Center For Human Genetics Tuebingen Variant Classification Criteria Version 2. Collection method: clinical testing. Allele origin: germline. Affected: yes. Observed: 6 variant alleles.
Comment: MLXIPL: BP4, BS2

Labcorp Genetics (formerly Invitae), Labcorp
Classification: Benign. Last evaluated: 2019-12-31. Review status: criteria provided, single submitter. Criteria: Invitae Variant Classification Sherloc (09022015). Collection method: clinical testing. Allele origin: germline.

Breakthrough Genomics
Classification: Benign. Review status: criteria provided, single submitter. Criteria: ACMG Guidelines, 2015. Collection method: not provided. Allele origin: germline. Inheritance: Unknown mechanism. Affected: yes.